The following is an entry in ClinVar:

NM_022039.4(FBXW4):c.1438G>A (p.Val480Ile)

Gene: FBXW4 (F-box and WD repeat domain containing 4; minus strand). Cytogenetic location: 10q24.32.
Variant type: single nucleotide variant.
Coding change: c.1438G>A on transcript NM_022039.4 (MANE Select); coding-DNA position 1438, G replaced by A.
Protein change: p.Val480Ile; replaces valine 480 with isoleucine.
Molecular consequence: missense variant. On other transcripts: non-coding transcript variant (1).
Genome position (GRCh38, 1-based): chr10:101,612,341, C>T on the plus strand (G>A on the coding strand, the complement: FBXW4 is on the minus strand). VCF-style: chr10-101612341-C-T. GRCh37 (hg19) VCF-style: chr10-103372098-C-T.
Other names: c.712G>A, p.Val238Ile (NM_001323541.2); short protein forms V238I, V480I.
Identifiers: ClinVar variation 2217024 (VCV002217024.4), dbSNP rs199576249, ClinGen allele CA5657250.

ClinVar aggregate classification (germline): Uncertain significance. Review status: criteria provided, multiple submitters, no conflicts (2 of 4 stars). 2 submissions from 2 submitters: Uncertain significance (2). Last evaluated 2025-12-20.

Allele frequency attached by ClinVar (database versions not stated): 1000 Genomes Project 30x 0.00016; gnomAD 0.00019; 1000 Genomes Project 0.00020; ESP Exome Variant Server 0.00023; gnomAD exomes 0.00003; ExAC 0.00006; TOPMed 0.00028.
gnomAD v4.1: 68 of 1,564,260 alleles (0.0043%); highest among the groups gnomAD compares: African/African-American, 0.065%; no homozygotes.

Submissions (2):

Labcorp Genetics (formerly Invitae), Labcorp
Classification: Uncertain significance. Last evaluated: 2025-12-20. Review status: criteria provided, single submitter. Criteria: Invitae Variant Classification Sherloc (09022015). Collection method: clinical testing. Allele origin: germline.
Comment: This sequence change replaces valine, which is neutral and non-polar, with isoleucine, which is neutral and non-polar, at codon 325 of the FBXW4 protein (p.Val325Ile). This variant is present in population databases (rs199576249, gnomAD 0.07%). This variant has not been reported in the literature in individuals affected with FBXW4-related conditions. ClinVar contains an entry for this variant (Variation ID: 2217024). An algorithm developed to predict the effect of missense changes on protein structure and function (PolyPhen-2) suggests that this variant is likely to be tolerated. In summary, the available evidence is currently insufficient to determine the role of this variant in disease. Therefore, it has been classified as a Variant of Uncertain Significance.

Ambry Genetics
Classification: Uncertain significance. Last evaluated: 2021-10-22. Review status: criteria provided, single submitter. Criteria: Ambry Variant Classification Scheme 2023. Collection method: clinical testing. Allele origin: germline.